The following is an entry in ClinVar:

NM_000079.4(CHRNA1):c.639C>A (p.Cys213Ter)

Gene: CHRNA1 (cholinergic receptor nicotinic alpha 1 subunit; minus strand). Cytogenetic location: 2q31.1.
Variant type: single nucleotide variant.
Coding change: c.639C>A on transcript NM_000079.4 (MANE Select); coding-DNA position 639, C replaced by A.
Protein change: p.Cys213Ter; replaces cysteine 213 with a stop codon.
Molecular consequence: nonsense.
Genome position (GRCh38, 1-based): chr2:174,753,642, G>T on the plus strand (C>A on the coding strand, the complement: CHRNA1 is on the minus strand). VCF-style: chr2-174753642-G-T. GRCh37 (hg19) VCF-style: chr2-175618370-G-T.
Other names: c.714C>A, p.Cys238Ter (NM_001039523.3); short protein forms C213*, C238*.
Identifiers: ClinVar variation 4715243 (VCV004715243.1).

ClinVar aggregate classification (germline): Pathogenic (1 of 4 stars; one submission).

Conditions:
Lethal multiple pterygium syndrome (LMPS). Identifiers: Orphanet 33108, MedGen C1854678, MONDO:0009668, OMIM 253290.

Submission:

Labcorp Genetics (formerly Invitae), Labcorp
Classification: Pathogenic for Lethal multiple pterygium syndrome. Last evaluated: 2025-03-16. Review status: criteria provided, single submitter. Criteria: Invitae Variant Classification Sherloc (09022015). Collection method: clinical testing. Allele origin: germline.
Comment: This sequence change creates a premature translational stop signal (p.Cys213*) in the CHRNA1 gene. It is expected to result in an absent or disrupted protein product. Loss-of-function variants in CHRNA1 are known to be pathogenic (PMID: 14719537, 15907919, 18252226). This variant is not present in population databases (gnomAD no frequency). This variant has not been reported in the literature in individuals affected with CHRNA1-related conditions. For these reasons, this variant has been classified as Pathogenic.

Literature cited by the submitters: PubMed 14719537; PubMed 15907919; PubMed 18252226.